The following is an entry in ClinVar:

ClinVar aggregate classification (germline): Uncertain significance (1 of 4 stars; one submission).

Allele frequency attached by ClinVar (database versions not stated): TOPMed 0.00001.
gnomAD v4.1: 7 of 1,495,460 alleles (0.00047%); highest among the groups gnomAD compares: African/African-American, 0.0028%; no homozygotes.

Submission:

Labcorp Genetics (formerly Invitae), Labcorp
Classification: Uncertain significance. Last evaluated: 2022-05-19. Review status: criteria provided, single submitter. Criteria: Invitae Variant Classification Sherloc (09022015). Collection method: clinical testing. Allele origin: germline.
Comment: In summary, the available evidence is currently insufficient to determine the role of this variant in disease. Therefore, it has been classified as a Variant of Uncertain Significance. Algorithms developed to predict the effect of missense changes on protein structure and function are either unavailable or do not agree on the potential impact of this missense change (SIFT: "Tolerated"; PolyPhen-2: "Probably Damaging"; Align-GVGD: "Class C0"). This variant has not been reported in the literature in individuals affected with LRRC56-related conditions. This variant is present in population databases (no rsID available, gnomAD 0.004%). This sequence change replaces asparagine, which is neutral and polar, with serine, which is neutral and polar, at codon 214 of the LRRC56 protein (p.Asn214Ser).

NM_198075.4(LRRC56):c.641A>G (p.Asn214Ser)

Gene: LRRC56 (leucine rich repeat containing 56; plus strand). Cytogenetic location: 11p15.5.
Variant type: single nucleotide variant.
Coding change: c.641A>G on transcript NM_198075.4 (MANE Select); coding-DNA position 641, A replaced by G.
Protein change: p.Asn214Ser; replaces asparagine 214 with serine.
Molecular consequence: missense variant.
Genome position (GRCh38, 1-based): chr11:551,147, A>G. VCF-style: chr11-551147-A-G. GRCh37 (hg19) VCF-style: chr11-551147-A-G.
Other names: short protein forms N214S.
Identifiers: ClinVar variation 1897342 (VCV001897342.5), dbSNP rs1220192032, ClinGen allele CA378943286.